The following is an entry in ClinVar:

ClinVar aggregate classification (germline): Uncertain significance (1 of 4 stars; one submission).

Conditions:
Basal ganglia calcification, idiopathic, 4 (PFBC4). Also called: PRIMARY FAMILIAL BRAIN CALCIFICATION 4, AUTOSOMAL DOMINANT; Familial Idiopathic Basal Ganglia Calcification 4. Identifiers: Orphanet 1980, MedGen C3554321, MONDO:0014004, OMIM 615007.
Infantile myofibromatosis (IMF). Also called: Congenital generalized fibromatosis. Identifiers: Orphanet 2591, MedGen C0432284, MONDO:0016824.
Acroosteolysis-keloid-like lesions-premature aging syndrome. Also called: Progeroid syndrome, Penttinen type; Premature aging syndrome, Penttinen type; Prematurely aged appearance, delayed bone maturation, acro-osteolysis, and brachydactyly. Identifiers: Orphanet 363665, MedGen C1866182, MONDO:0011150, OMIM 601812.
Skeletal overgrowth-craniofacial dysmorphism-hyperelastic skin-white matter lesions syndrome. Also called: SKELETAL OVERGROWTH WITH FACIAL DYSMORPHISM, HYPERELASTIC SKIN, WHITE MATTER LESIONS, AND NEUROLOGIC DETERIORATION; Kosaki overgrowth syndrome. Identifiers: Orphanet 477831, MedGen C4225270, MONDO:0014704, OMIM 616592.

Allele frequency attached by ClinVar (database versions not stated): gnomAD exomes below 0.00001.
gnomAD v4.1: 3 of 1,614,112 alleles (0.00019%); highest among the groups gnomAD compares: Non-Finnish European, 0.00025%; no homozygotes.

Submission:

Labcorp Genetics (formerly Invitae), Labcorp
Classification: Uncertain significance for Basal ganglia calcification, idiopathic, 4; Skeletal overgrowth-craniofacial dysmorphism-hyperelastic skin-white matter lesions syndrome; Infantile myofibromatosis; Acroosteolysis-keloid-like lesions-premature aging syndrome. Last evaluated: 2018-02-26. Review status: criteria provided, single submitter. Criteria: Invitae Variant Classification Sherloc (09022015). Collection method: clinical testing. Allele origin: germline.
Comment: In summary, the available evidence is currently insufficient to determine the role of this variant in disease. Therefore, it has been classified as a Variant of Uncertain Significance. Algorithms developed to predict the effect of missense changes on protein structure and function do not agree on the potential impact of this missense change (SIFT: "Deleterious"; PolyPhen-2: "Benign"; Align-GVGD: "Class C55"). This variant has not been reported in the literature in individuals with PDGFRB-related disease. This variant is not present in population databases (ExAC no frequency). This sequence change replaces glutamic acid with lysine at codon 162 of the PDGFRB protein (p.Glu162Lys). The glutamic acid residue is highly conserved and there is a small physicochemical difference between glutamic acid and lysine.

NM_002609.4(PDGFRB):c.484G>A (p.Glu162Lys)

Gene: PDGFRB (platelet derived growth factor receptor beta; minus strand). Cytogenetic location: 5q32.
Variant type: single nucleotide variant.
Coding change: c.484G>A on transcript NM_002609.4 (MANE Select); coding-DNA position 484, G replaced by A.
Protein change: p.Glu162Lys; replaces glutamic acid 162 with lysine.
Molecular consequence: missense variant. On other transcripts: 5 prime UTR variant (1).
Genome position (GRCh38, 1-based): chr5:150,134,897, C>T on the plus strand (G>A on the coding strand, the complement: PDGFRB is on the minus strand). VCF-style: chr5-150134897-C-T. GRCh37 (hg19) VCF-style: chr5-149514460-C-T.
Other names: c.292G>A, p.Glu98Lys (NM_001355016.2); c.-34G>A (NM_001355017.2); short protein forms E162K, E98K.
Identifiers: ClinVar variation 582961 (VCV000582961.10), dbSNP rs1562011077, ClinGen allele CA361725947.